The following is an entry in ClinVar:

NM_003482.4(KMT2D):c.6088A>G (p.Asn2030Asp)

Gene: KMT2D (lysine methyltransferase 2D; minus strand). Cytogenetic location: 12q13.12.
Variant type: single nucleotide variant.
Coding change: c.6088A>G on transcript NM_003482.4 (MANE Select); coding-DNA position 6088, A replaced by G.
Protein change: p.Asn2030Asp; replaces asparagine 2030 with aspartic acid.
Molecular consequence: missense variant.
Genome position (GRCh38, 1-based): chr12:49,042,110, T>C on the plus strand (A>G on the coding strand, the complement: KMT2D is on the minus strand). VCF-style: chr12-49042110-T-C. GRCh37 (hg19) VCF-style: chr12-49435893-T-C.
Other names: short protein forms N2030D.
Identifiers: ClinVar variation 2498069 (VCV002498069.1), dbSNP rs771729772, ClinGen allele CA384626702.
Genomic context (GRCh38, chr12:49,042,110, plus strand): 5'-GTTGCCAGGCTGTCTCCCTTGCCCTCATCCCACAGGTACCTGGGTAGTCTTGCTTGAGAT[T>C]AGGAAAATTAATGTTGGCATAGAGCACAGGTGAGATGGTGGACAGCTGGCCCAACTCCTC-3'
Protein context (NP_003473.3, residues 2020-2040): PVLYANINFP[Asn2030Asp]LKQDYPDWSS

ClinVar aggregate classification (germline): Uncertain significance (1 of 4 stars; one submission).

gnomAD v4.1: 2 of 1,613,574 alleles (0.00012%); highest among the groups gnomAD compares: East Asian, 0.0022%; no homozygotes.

Submission:

GeneDx
Classification: Uncertain significance. Last evaluated: 2022-10-05. Review status: criteria provided, single submitter. Criteria: GeneDx Variant Classification Process June 2021. Collection method: clinical testing. Allele origin: germline. Affected: yes.
Comment: Not observed at significant frequency in large population cohorts (gnomAD); In silico analysis supports that this missense variant has a deleterious effect on protein structure/function; Has not been previously published as pathogenic or benign to our knowledge